The following is an entry in ClinVar:

ClinVar aggregate classification (germline): Uncertain significance. Review status: criteria provided, multiple submitters, no conflicts (2 of 4 stars). 2 submissions from 2 submitters: Uncertain significance (2). Last evaluated 2024-06-07.

Conditions:
Inborn genetic diseases. Identifiers: MedGen C0950123, MeSH D030342.

Allele frequency attached by ClinVar (database versions not stated): TOPMed below 0.00001.

Submissions (2):

Ambry Genetics
Classification: Uncertain significance for Inborn genetic diseases. Last evaluated: 2024-06-07. Review status: criteria provided, single submitter. Criteria: Ambry Variant Classification Scheme 2023. Collection method: clinical testing. Allele origin: germline.

GeneDx
Classification: Uncertain significance. Last evaluated: 2020-01-02. Review status: criteria provided, single submitter. Criteria: GeneDx Variant Classification Process June 2021. Collection method: clinical testing. Allele origin: germline. Affected: yes.
Comment: Not observed in large population cohorts (Lek et al., 2016); In silico analysis, which includes protein predictors and evolutionary conservation, supports that this variant does not alter protein structure/function; Has not been previously published as pathogenic or benign to our knowledge

NM_022124.6(CDH23):c.3366G>T (p.Leu1122Phe)

Genes: C10orf105 (chromosome 10 open reading frame 105; minus strand), CDH23 (cadherin related 23; plus strand). Cytogenetic location: 10q22.1.
Variant type: single nucleotide variant.
Coding change: c.3366G>T on transcript NM_022124.6 (MANE Select); coding-DNA position 3366, G replaced by T.
Protein change: p.Leu1122Phe; replaces leucine 1122 with phenylalanine.
Molecular consequence: missense variant. On other transcripts: 3 prime UTR variant (2).
Genome position (GRCh38, 1-based): chr10:71,712,810, G>T. VCF-style: chr10-71712810-G-T. GRCh37 (hg19) VCF-style: chr10-73472567-G-T.
Other names: c.*3126C>A (NM_001164375.3, NM_001168390.2); c.3366G>T, p.Leu1122Phe (NM_001171930.2); short protein forms L1122F.
Identifiers: ClinVar variation 1311716 (VCV001311716.3), dbSNP rs1866032612, ClinGen allele CA377145087.